The following is an entry in ClinVar:

NM_001384732.1(CPLANE1):c.4189+47A>G

Gene: CPLANE1 (ciliogenesis and planar polarity effector complex subunit 1; minus strand). Cytogenetic location: 5p13.2.
Variant type: single nucleotide variant.
Coding change: c.4189+47A>G on transcript NM_001384732.1 (MANE Select); 47 bases into the intron after coding-DNA position 4189, A replaced by G.
Molecular consequence: intron variant.
Genome position (GRCh38, 1-based): chr5:37,186,239, T>C on the plus strand (A>G on the coding strand, the complement: CPLANE1 is on the minus strand). VCF-style: chr5-37186239-T-C. GRCh37 (hg19) VCF-style: chr5-37186341-T-C.
Other names: c.4189+47A>G (NM_023073.4).
Identifiers: ClinVar variation 4881050 (VCV004881050.2).

ClinVar aggregate classification (germline): Uncertain significance (1 of 4 stars; one submission).

Submission:

Dasa
Classification: Uncertain significance. Last evaluated: 2025-08-04. Review status: criteria provided, single submitter. Criteria: DASA Assertion Criteria. Collection method: clinical testing. Allele origin: germline.
Comment: NM_001384732.1(CPLANE1):c.4189+47A>G is an intronic variant. This variant is absent from population databases. Computational prediction algorithms are consistent with a benign effect. The currently available literature and clinical evidence are not sufficient to establish a definitive association between this variant and the reported condition. Therefore, this variant is classified as a variant of uncertain significance.